The following is an entry in ClinVar:

ClinVar aggregate classification (germline): Uncertain significance (1 of 4 stars; one submission).

Conditions:
Emery-Dreifuss muscular dystrophy 5, autosomal dominant (EDMD5). Also called: EMERY-DREIFUSS MUSCULAR DYSTROPHY 5. Identifiers: Orphanet 261, MedGen C2751805, MONDO:0013072, OMIM 612999.

Allele frequency attached by ClinVar (database versions not stated): gnomAD 0.00001 and 0.00002; ExAC 0.00004; gnomAD exomes 0.00004; TOPMed 0.00008; 1000 Genomes Project 30x 0.00016; 1000 Genomes Project 0.00020.
gnomAD v4.1: 68 of 1,613,798 alleles (0.0042%); highest among the groups gnomAD compares: Middle Eastern, 0.067%; no homozygotes.

Submission:

Labcorp Genetics (formerly Invitae), Labcorp
Classification: Uncertain significance for Emery-Dreifuss muscular dystrophy 5, autosomal dominant. Last evaluated: 2022-08-23. Review status: criteria provided, single submitter. Criteria: Invitae Variant Classification Sherloc (09022015). Collection method: clinical testing. Allele origin: germline.
Comment: This sequence change replaces glutamic acid, which is acidic and polar, with lysine, which is basic and polar, at codon 6435 of the SYNE2 protein (p.Glu6435Lys). In summary, the available evidence is currently insufficient to determine the role of this variant in disease. Therefore, it has been classified as a Variant of Uncertain Significance. Algorithms developed to predict the effect of missense changes on protein structure and function are either unavailable or do not agree on the potential impact of this missense change (SIFT: "Tolerated"; PolyPhen-2: "Probably Damaging"; Align-GVGD: "Class C0"). This variant is present in population databases (rs138111654, gnomAD 0.02%). ClinVar contains an entry for this variant (Variation ID: 1039414). This variant has not been reported in the literature in individuals affected with SYNE2-related conditions.

NM_182914.3(SYNE2):c.19303G>A (p.Glu6435Lys)

Gene: SYNE2 (spectrin repeat containing nuclear envelope protein 2; plus strand). Cytogenetic location: 14q23.2.
Variant type: single nucleotide variant.
Coding change: c.19303G>A on transcript NM_182914.3 (MANE Select); coding-DNA position 19303, G replaced by A.
Protein change: p.Glu6435Lys; replaces glutamic acid 6435 with lysine.
Molecular consequence: missense variant.
Genome position (GRCh38, 1-based): chr14:64,214,440, G>A. VCF-style: chr14-64214440-G-A. GRCh37 (hg19) VCF-style: chr14-64681158-G-A.
Other names: c.19303G>A, p.Glu6435Lys (NM_015180.6); c.205G>A, p.Glu69Lys (NM_182913.4); short protein forms E69K, E6435K.
Identifiers: ClinVar variation 1039414 (VCV001039414.10), dbSNP rs138111654, ClinGen allele CA7224370.
Genomic context (GRCh38, chr14:64,214,440, plus strand): 5'-ATCCCCCTGGAGTGGGACCACACAGGCGACGTGGGGGGCTCCTCCTCTCACGAAGAGGAC[G>A]AGGAGGGCCCATACTACAGCGCACTGTCAGGTAACAGCTGGGTTCCCAGCACCCTGGAAA-3'
Protein context (NP_878918.2, residues 6425-6445): VGGSSSHEED[Glu6435Lys]EGPYYSALSD